The following is an entry in ClinVar:

NM_033305.3(VPS13A):c.1275G>T (p.Glu425Asp)

Gene: VPS13A (vacuolar protein sorting 13 homolog A; plus strand). Cytogenetic location: 9q21.2.
Variant type: single nucleotide variant.
Coding change: c.1275G>T on transcript NM_033305.3 (MANE Select); coding-DNA position 1275, G replaced by T.
Protein change: p.Glu425Asp; replaces glutamic acid 425 with aspartic acid.
Molecular consequence: missense variant.
Genome position (GRCh38, 1-based): chr9:77,226,516, G>T. VCF-style: chr9-77226516-G-T. GRCh37 (hg19) VCF-style: chr9-79841432-G-T.
Other names: c.1275G>T, p.Glu425Asp (NM_001018037.2, NM_001018038.3, NM_015186.4); short protein forms E425D.
Identifiers: ClinVar variation 2906970 (VCV002906970.3), dbSNP rs1823525916, ClinGen allele CA373845177.

ClinVar aggregate classification (germline): Uncertain significance (1 of 4 stars; one submission).

Allele frequency attached by ClinVar (database versions not stated): TOPMed below 0.00001.

Submission:

Labcorp Genetics (formerly Invitae), Labcorp
Classification: Uncertain significance. Last evaluated: 2023-04-09. Review status: criteria provided, single submitter. Criteria: Invitae Variant Classification Sherloc (09022015). Collection method: clinical testing. Allele origin: germline.
Comment: This sequence change replaces glutamic acid, which is acidic and polar, with aspartic acid, which is acidic and polar, at codon 425 of the VPS13A protein (p.Glu425Asp). This variant is not present in population databases (gnomAD no frequency). This variant has not been reported in the literature in individuals affected with VPS13A-related conditions. Advanced modeling of protein sequence and biophysical properties (such as structural, functional, and spatial information, amino acid conservation, physicochemical variation, residue mobility, and thermodynamic stability) performed at Invitae indicates that this missense variant is not expected to disrupt VPS13A protein function. In summary, the available evidence is currently insufficient to determine the role of this variant in disease. Therefore, it has been classified as a Variant of Uncertain Significance.